The following is an entry in ClinVar:

ClinVar aggregate classification (germline): Uncertain significance (1 of 4 stars; one submission).

Conditions:
Inborn genetic diseases. Identifiers: MedGen C0950123, MeSH D030342.

Submission:

Ambry Genetics
Classification: Uncertain significance for Inborn genetic diseases. Last evaluated: 2026-04-04. Review status: criteria provided, single submitter. Criteria: Ambry Variant Classification Scheme 2023. Collection method: clinical testing. Allele origin: germline.
Comment: The p.E1492G variant (also known as c.4475A>G), located in coding exon 30 of the ANKRD26 gene, results from an A to G substitution at nucleotide position 4475. The glutamic acid at codon 1492 is replaced by glycine, an amino acid with similar properties. This amino acid position is conserved. In addition, this alteration is predicted to be tolerated by in silico analysis. Based on the available evidence, the clinical significance of this variant remains unclear.

NM_014915.3(ANKRD26):c.4475A>G (p.Glu1492Gly)

Gene: ANKRD26 (ankyrin repeat domain 26; minus strand). Cytogenetic location: 10p12.1.
Variant type: single nucleotide variant.
Coding change: c.4475A>G on transcript NM_014915.3 (MANE Select); coding-DNA position 4475, A replaced by G.
Protein change: p.Glu1492Gly; replaces glutamic acid 1492 with glycine.
Molecular consequence: missense variant.
Genome position (GRCh38, 1-based): chr10:27,017,533, T>C on the plus strand (A>G on the coding strand, the complement: ANKRD26 is on the minus strand). VCF-style: chr10-27017533-T-C. GRCh37 (hg19) VCF-style: chr10-27306462-T-C.
Other names: c.4472A>G, p.Glu1491Gly (NM_001256053.2); short protein forms E1491G, E1492G.
Identifiers: ClinVar variation 4859231 (VCV004859231.1).